The following is an entry in ClinVar:

ClinVar aggregate classification (germline): Uncertain significance (1 of 4 stars; one submission).

gnomAD v4.1: 17 of 1,613,544 alleles (0.0011%); highest among the groups gnomAD compares: African/African-American, 0.0067%; no homozygotes.

Submission:

Labcorp Genetics (formerly Invitae), Labcorp
Classification: Uncertain significance. Last evaluated: 2025-09-17. Review status: criteria provided, single submitter. Criteria: Invitae Variant Classification Sherloc (09022015). Collection method: clinical testing. Allele origin: germline.
Comment: This sequence change replaces arginine, which is basic and polar, with histidine, which is basic and polar, at codon 429 of the FMN1 protein (p.Arg429His). This variant is present in population databases (rs371633150, gnomAD 0.007%). This variant has not been reported in the literature in individuals affected with FMN1-related conditions. Experimental studies and prediction algorithms are not available or were not evaluated, and the functional significance of this variant is currently unknown. In summary, the available evidence is currently insufficient to determine the role of this variant in disease. Therefore, it has been classified as a Variant of Uncertain Significance.

NM_001277313.2(FMN1):c.2044-1525G>A

Gene: FMN1 (formin 1; minus strand). Cytogenetic location: 15q13.3.
Variant type: single nucleotide variant.
Coding change: c.2044-1525G>A on transcript NM_001277313.2 (MANE Select); 1525 bases into the intron before coding-DNA position 2044, G replaced by A.
Molecular consequence: intron variant. On other transcripts: missense variant (1).
Genome position (GRCh38, 1-based): chr15:33,066,599, C>T on the plus strand (G>A on the coding strand, the complement: FMN1 is on the minus strand). VCF-style: chr15-33066599-C-T. GRCh37 (hg19) VCF-style: chr15-33358800-C-T.
Other names: c.1286G>A, p.Arg429His (NM_001103184.4); short protein forms R429H.
Identifiers: ClinVar variation 4705478 (VCV004705478.1).
Genomic context (GRCh38, chr15:33,066,599, plus strand): 5'-GGCTTAGAATTGGACCGTTCAAACACAGCTCTTAGCGACTCCTTCTCATGTCTCATCTTG[C>T]GCTTGAGAGCTTCCAGCTCAGAGGTGTCAGCTGTGGTCCCCTTTCTGGGGGGCCGGATGA-3'